The following is an entry in ClinVar:

ClinVar aggregate classification (germline): Uncertain significance (1 of 4 stars; one submission).

Conditions:
Pseudohypoaldosteronism type 2C (PHA2C). Also called: Pseudohypoaldosteronism Type IIC. Identifiers: Orphanet 757, Orphanet 88940, MedGen C1840391, MONDO:0013778, OMIM 614492.
Neuropathy, hereditary sensory and autonomic, type 2A (HSAN2A). Also called: MORVAN DISEASE; NEUROPATHY, CONGENITAL SENSORY; NEUROPATHY, HEREDITARY SENSORY RADICULAR, AUTOSOMAL RECESSIVE; NEUROPATHY, HEREDITARY SENSORY, TYPE IIA; NEUROPATHY, PROGRESSIVE SENSORY, OF CHILDREN; WNK1-Related HSAN2 (HSAN2A). Identifiers: Orphanet 970, MedGen C2752089, MONDO:0024309, OMIM 201300.

Allele frequency attached by ClinVar (database versions not stated): TOPMed below 0.00001; gnomAD 0.00001; gnomAD exomes 0.00001.
gnomAD v4.1: 15 of 1,614,042 alleles (0.00093%); highest among the groups gnomAD compares: African/African-American, 0.0013%; no homozygotes.

Submission:

Labcorp Genetics (formerly Invitae), Labcorp
Classification: Uncertain significance for Neuropathy, hereditary sensory and autonomic, type 2A; Pseudohypoaldosteronism type 2C. Last evaluated: 2025-05-11. Review status: criteria provided, single submitter. Criteria: Invitae Variant Classification Sherloc (09022015). Collection method: clinical testing. Allele origin: germline.
Comment: This sequence change replaces histidine, which is basic and polar, with tyrosine, which is neutral and polar, at codon 2414 of the WNK1 protein (p.His2414Tyr). This variant is not present in population databases (gnomAD no frequency). This variant has not been reported in the literature in individuals affected with WNK1-related conditions. ClinVar contains an entry for this variant (Variation ID: 840519). Invitae Evidence Modeling of protein sequence and biophysical properties (such as structural, functional, and spatial information, amino acid conservation, physicochemical variation, residue mobility, and thermodynamic stability) indicates that this missense variant is not expected to disrupt WNK1 protein function with a negative predictive value of 95%. In summary, the available evidence is currently insufficient to determine the role of this variant in disease. Therefore, it has been classified as a Variant of Uncertain Significance.

NM_018979.4(WNK1):c.6484C>T (p.His2162Tyr)

Gene: WNK1 (WNK lysine deficient protein kinase 1; plus strand). Cytogenetic location: 12p13.33.
Variant type: single nucleotide variant.
Coding change: c.6484C>T on transcript NM_018979.4 (MANE Select); coding-DNA position 6484, C replaced by T.
Protein change: p.His2162Tyr; replaces histidine 2162 with tyrosine.
Molecular consequence: missense variant.
Genome position (GRCh38, 1-based): chr12:900,511, C>T. VCF-style: chr12-900511-C-T. GRCh37 (hg19) VCF-style: chr12-1009677-C-T.
Other names: c.7264C>T, p.His2422Tyr (NM_001184985.2); c.5740C>T, p.His1914Tyr (NM_014823.3); c.7240C>T, p.His2414Tyr (NM_213655.5); short protein forms H2414Y, H1914Y, H2162Y, H2422Y.
Identifiers: ClinVar variation 840519 (VCV000840519.9), dbSNP rs1367085372, ClinGen allele CA383338039.